The following is an entry in ClinVar:

ClinVar aggregate classification (germline): Uncertain significance. Review status: criteria provided, multiple submitters, no conflicts (2 of 4 stars). 3 submissions from 3 submitters: Uncertain significance (3). Last evaluated 2026-07-22.

Conditions:
Nephronophthisis 15 (NPHP15). Identifiers: Orphanet 3156, MedGen C3541853, MONDO:0013917, OMIM 614845.
CEP164-related disorder. Also called: CEP164-related condition.
Inborn genetic diseases. Identifiers: MedGen C0950123, MeSH D030342.

Allele frequency attached by ClinVar (database versions not stated): ExAC 0.00001; gnomAD exomes 0.00001; TOPMed 0.00002; gnomAD 0.00005 and 0.00006.
gnomAD v4.1: 21 of 1,614,066 alleles (0.0013%); highest among the groups gnomAD compares: African/African-American, 0.023%; no homozygotes.

Submissions (3):

PreventionGenetics, part of Exact Sciences
Classification: Uncertain significance for CEP164-related condition. Last evaluated: 2026-07-22. Review status: criteria provided, single submitter. Criteria: ACMG Guidelines, 2015. Collection method: clinical testing. Allele origin: germline.
Comment: The CEP164 c.3314C>T variant is predicted to result in the amino acid substitution p.Ala1105Val. To our knowledge, this variant has not been reported in the literature. This variant is reported in 0.016% of alleles in individuals of African descent in gnomAD. At this time, the clinical significance of this variant is uncertain due to the absence of conclusive functional and genetic evidence.

Ambry Genetics
Classification: Uncertain significance for Inborn genetic diseases. Last evaluated: 2025-07-14. Review status: criteria provided, single submitter. Criteria: Ambry Variant Classification Scheme 2023. Collection method: clinical testing. Allele origin: germline.

Labcorp Genetics (formerly Invitae), Labcorp
Classification: Uncertain significance for Nephronophthisis 15. Last evaluated: 2022-06-03. Review status: criteria provided, single submitter. Criteria: Invitae Variant Classification Sherloc (09022015). Collection method: clinical testing. Allele origin: germline.
Comment: This sequence change replaces alanine, which is neutral and non-polar, with valine, which is neutral and non-polar, at codon 1105 of the CEP164 protein (p.Ala1105Val). This variant is present in population databases (rs751866377, gnomAD 0.02%). This variant has not been reported in the literature in individuals affected with CEP164-related conditions. ClinVar contains an entry for this variant (Variation ID: 1356441). Algorithms developed to predict the effect of missense changes on protein structure and function are either unavailable or do not agree on the potential impact of this missense change (SIFT: "Deleterious"; PolyPhen-2: "Benign"; Align-GVGD: "Class C0"). Algorithms developed to predict the effect of sequence changes on RNA splicing suggest that this variant may create or strengthen a splice site. In summary, the available evidence is currently insufficient to determine the role of this variant in disease. Therefore, it has been classified as a Variant of Uncertain Significance.

NM_014956.5(CEP164):c.3314C>T (p.Ala1105Val)

Gene: CEP164 (centrosomal protein 164; plus strand). Cytogenetic location: 11q23.3.
Variant type: single nucleotide variant.
Coding change: c.3314C>T on transcript NM_014956.5 (MANE Select); coding-DNA position 3314, C replaced by T.
Protein change: p.Ala1105Val; replaces alanine 1105 with valine.
Molecular consequence: missense variant.
Genome position (GRCh38, 1-based): chr11:117,397,126, C>T. VCF-style: chr11-117397126-C-T. GRCh37 (hg19) VCF-style: chr11-117267842-C-T.
Other names: c.3314C>T (NM_014956.4); c.3323C>T, p.Ala1108Val (NM_001271933.2); short protein forms A1108V, A1105V.
Identifiers: ClinVar variation 1356441 (VCV001356441.7), dbSNP rs751866377, ClinGen allele CA6295416.
Genomic context (GRCh38, chr11:117,397,126, plus strand): 5'-TCCTTCTTCAACTCTCCTGCTCCAGCCTGTCCTCCCACAATGTCTGGCACCTCCTCTCTG[C>T]TGAGGGGGTAGCCCTCCGTAGTGCCAAGGAGTTCCTTGTGCAGCAGACACGCTCCATGCG-3'
Protein context (NP_055771.4, residues 1095-1115): SSHNVWHLLS[Ala1105Val]EGVALRSAKE